The following is an entry in ClinVar:

NM_006734.4(HIVEP2):c.5060C>G (p.Thr1687Ser)

Gene: HIVEP2 (HIVEP zinc finger 2; minus strand). Cytogenetic location: 6q24.2.
Variant type: single nucleotide variant.
Coding change: c.5060C>G on transcript NM_006734.4 (MANE Select); coding-DNA position 5060, C replaced by G.
Protein change: p.Thr1687Ser; replaces threonine 1687 with serine.
Molecular consequence: missense variant.
Genome position (GRCh38, 1-based): chr6:142,769,679, G>C on the plus strand (C>G on the coding strand, the complement: HIVEP2 is on the minus strand). VCF-style: chr6-142769679-G-C. GRCh37 (hg19) VCF-style: chr6-143090816-G-C.
Other names: short protein forms T1687S.
Identifiers: ClinVar variation 1700923 (VCV001700923.2), dbSNP rs2114643030, ClinGen allele CA365895939.

ClinVar aggregate classification (germline): Uncertain significance (1 of 4 stars; one submission).

Submission:

GeneDx
Classification: Uncertain significance. Last evaluated: 2022-02-15. Review status: criteria provided, single submitter. Criteria: GeneDx Variant Classification Process June 2021. Collection method: clinical testing. Allele origin: germline. Affected: yes.
Comment: Not observed at significant frequency in large population cohorts (gnomAD); In silico analysis supports that this missense variant has a deleterious effect on protein structure/function; Has not been previously published as pathogenic or benign to our knowledge.